The following is an entry in ClinVar:

ClinVar aggregate classification (germline): Uncertain significance (1 of 4 stars; one submission).

Conditions:
Dilated cardiomyopathy 1S (CMD1S). Identifiers: Orphanet 154, Orphanet 54260, MedGen C1834481, MONDO:0013262, OMIM 613426.

Submission:

Victorian Clinical Genetics Services, Murdoch Childrens Research Institute
Classification: Uncertain significance for Dilated cardiomyopathy 1S. Last evaluated: 2026-03-02. Review status: criteria provided, single submitter. Criteria: ACMG Guidelines, 2015. Collection method: clinical testing. Allele origin: germline. Affected: yes.
Comment: This variant is classified as VUS-3A. Evidence in support of pathogenic classification: Variant is present in gnomAD <0.01 (v4: 2 heterozygote(s), 0 homozygote(s)); Missense variant predicted to be damaging by in silico tool(s) or highly conserved with a major amino acid change. Additional information: Variant is predicted to result in a missense amino acid change from Asn to Lys; This variant is heterozygous; This gene is associated with both recessive and dominant disease. Disease associated with this gene usually has autosomal dominant inheritance; however, a recessive inheritance pattern has been observed in severe cases (OMIM); This variant has no previous evidence of pathogenicity; No published functional evidence has been identified for this variant; No comparable missense variants have previous evidence for pathogenicity; Variant is located in the annotated myosin head domain (DECIPHER); The mechanism of disease for this gene is not clearly established; however, missense variants have been proposed to act in a dominant negative manner (PMID: 24714796); The condition associated with this gene has incomplete penetrance (PMID: 29300372).

Literature cited by the submitters: PubMed 24714796; PubMed 29300372.

NM_000257.4(MYH7):c.378C>A (p.Asn126Lys)

Gene: MYH7 (myosin heavy chain 7; minus strand). Cytogenetic location: 14q11.2.
Variant type: single nucleotide variant.
Coding change: c.378C>A on transcript NM_000257.4 (MANE Select); coding-DNA position 378, C replaced by A.
Protein change: p.Asn126Lys; replaces asparagine 126 with lysine.
Molecular consequence: missense variant.
Genome position (GRCh38, 1-based): chr14:23,432,763, G>T on the plus strand (C>A on the coding strand, the complement: MYH7 is on the minus strand). VCF-style: chr14-23432763-G-T. GRCh37 (hg19) VCF-style: chr14-23901972-G-T.
Other names: c.378C>A, p.Asn126Lys (NM_001407004.1); short protein forms N126K.
Identifiers: ClinVar variation 4845322 (VCV004845322.2).